The following is an entry in ClinVar:

ClinVar aggregate classification (germline): Uncertain significance (1 of 4 stars; one submission).

Conditions:
Ullrich congenital muscular dystrophy 2 (UCMD2). Identifiers: Orphanet 75840, MedGen C4225314, MONDO:0014654, OMIM 616470.
Bethlem myopathy 2 (BTHLM2). Identifiers: Orphanet 536516, Orphanet 610, MedGen C4225313, MONDO:0034022, OMIM 616471.

Submission:

Labcorp Genetics (formerly Invitae), Labcorp
Classification: Uncertain significance for Bethlem myopathy 2; Ullrich congenital muscular dystrophy 2. Last evaluated: 2024-11-18. Review status: criteria provided, single submitter. Criteria: Invitae Variant Classification Sherloc (09022015). Collection method: clinical testing. Allele origin: germline.
Comment: This sequence change replaces alanine, which is neutral and non-polar, with threonine, which is neutral and polar, at codon 923 of the COL12A1 protein (p.Ala923Thr). This variant is not present in population databases (gnomAD no frequency). This variant has not been reported in the literature in individuals affected with COL12A1-related conditions. Invitae Evidence Modeling of protein sequence and biophysical properties (such as structural, functional, and spatial information, amino acid conservation, physicochemical variation, residue mobility, and thermodynamic stability) indicates that this missense variant is not expected to disrupt COL12A1 protein function with a negative predictive value of 80%. In summary, the available evidence is currently insufficient to determine the role of this variant in disease. Therefore, it has been classified as a Variant of Uncertain Significance.

NM_004370.6(COL12A1):c.2767G>A (p.Ala923Thr)

Gene: COL12A1 (collagen type XII alpha 1 chain; minus strand). Cytogenetic location: 6q13.
Variant type: single nucleotide variant.
Coding change: c.2767G>A on transcript NM_004370.6 (MANE Select); coding-DNA position 2767, G replaced by A.
Protein change: p.Ala923Thr; replaces alanine 923 with threonine.
Molecular consequence: missense variant. On other transcripts: intron variant (2).
Genome position (GRCh38, 1-based): chr6:75,165,723, C>T on the plus strand (G>A on the coding strand, the complement: COL12A1 is on the minus strand). VCF-style: chr6-75165723-C-T. GRCh37 (hg19) VCF-style: chr6-75875439-C-T.
Other names: c.2767G>A, p.Ala923Thr (NM_001424113.1, NM_001424114.1); c.2494G>A, p.Ala832Thr (NM_001424115.1); c.74-13241G>A (NM_001424116.1, NM_080645.3); short protein forms A832T, A923T.
Identifiers: ClinVar variation 3757821 (VCV003757821.2).
Genomic context (GRCh38, chr6:75,165,723, plus strand): 5'-AAAGTGATTTCCATGAGACCCTGTAACCGCGAACCATTCCTGGAGCAGATGTCCAATAAG[C>T]CCCAATTGATGTGTCAGTGATGTCTTTAGTAACTAAATCTTGAGGAGAACCACGTTCTAG-3'
Protein context (NP_004361.3, residues 913-933): TKDITDTSIG[Ala923Thr]YWTSAPGMVR